The following is an entry in ClinVar:

ClinVar aggregate classification (germline): Likely benign. Review status: criteria provided, multiple submitters, no conflicts (2 of 4 stars). 2 submissions from 2 submitters: Likely benign (2). Last evaluated 2025-12-22.

Conditions:
Familial adenomatous polyposis 2. Also called: ADENOMAS, MULTIPLE COLORECTAL, AUTOSOMAL RECESSIVE; MYH-associated polyposis; Adenomas, multiple colorectal; MUTYH Polyposis; COLORECTAL ADENOMATOUS POLYPOSIS, AUTOSOMAL RECESSIVE; FAP type 2. Identifiers: Orphanet 220460, Orphanet 247798, MedGen C3272841, MONDO:0012041, OMIM 608456.

Allele frequency attached by ClinVar (database versions not stated): gnomAD exomes below 0.00001; ExAC 0.00001.

Submissions (2):

Labcorp Genetics (formerly Invitae), Labcorp
Classification: Likely benign for Familial adenomatous polyposis 2. Last evaluated: 2025-12-22. Review status: criteria provided, single submitter. Criteria: Invitae Variant Classification Sherloc (09022015). Collection method: clinical testing. Allele origin: germline.

GeneDx
Classification: Likely benign. Last evaluated: 2016-09-01. Review status: criteria provided, single submitter. Criteria: GeneDx Variant Classification (06012015). Collection method: clinical testing. Allele origin: germline. Affected: yes.
Comment: This variant is considered likely benign or benign based on one or more of the following criteria: it is a conservative change, it occurs at a poorly conserved position in the protein, it is predicted to be benign by multiple in silico algorithms, and/or has population frequency not consistent with disease.

NM_001048174.2(MUTYH):c.1102+12C>T

Gene: MUTYH (mutY DNA glycosylase; minus strand). Cytogenetic location: 1p34.1.
Variant type: single nucleotide variant.
Coding change: c.1102+12C>T on transcript NM_001048174.2 (MANE Select); 12 bases into the intron after coding-DNA position 1102, C replaced by T.
Molecular consequence: intron variant.
Genome position (GRCh38, 1-based): chr1:45,331,649, G>A on the plus strand (C>T on the coding strand, the complement: MUTYH is on the minus strand). VCF-style: chr1-45331649-G-A. GRCh37 (hg19) VCF-style: chr1-45797321-G-A.
Other names: c.757+12C>T (NM_001350651.2, NM_001350650.2); c.826+12C>T (NM_001293192.2, NM_001293196.2); c.1102+12C>T (NM_001048171.2, NM_001048173.2, NM_001293195.2); c.1147+12C>T (NM_001293190.2); c.1177+12C>T (NM_012222.3); c.1186+12C>T (NM_001128425.2); c.1105+12C>T (NM_001048172.2); c.1135+12C>T (NM_001293191.2).
Identifiers: ClinVar variation 384381 (VCV000384381.10), dbSNP rs753493227, ClinGen allele CA055266.
Genomic context (GRCh38, chr1:45,331,649, plus strand): 5'-CCTCAGCTGCCGATTCCCTCCATTCTCTCTTGTTACTCATGCCACTGCCCTCCACGCCCA[G>A]TATCCAGGTACCTGAGTTGGGCCTCTGCACCAGCAGAATTTGGGCCCCAAGGGCCCCAGG-3'